The following is an entry in ClinVar:

ClinVar aggregate classification (germline): Uncertain significance (1 of 4 stars; one submission).

Conditions:
ALMS1-related disorder. Also called: ALMS1-related condition.

Submission:

PreventionGenetics, part of Exact Sciences
Classification: Uncertain significance for ALMS1-related condition. Last evaluated: 2024-10-24. Review status: criteria provided, single submitter. Criteria: ACMG Guidelines, 2015. Collection method: clinical testing. Allele origin: germline.
Comment: The ALMS1 c.5833A>C variant is predicted to result in the amino acid substitution p.Lys1945Gln. To our knowledge, this variant has not been reported in the literature or in a large population database (gnomAD), indicating this variant is rare. At this time, the clinical significance of this variant is uncertain due to the absence of conclusive functional and genetic evidence.

NM_001378454.1(ALMS1):c.5830A>C (p.Arg1944=)

Gene: ALMS1 (ALMS1 centrosome and basal body associated protein; plus strand). Cytogenetic location: 2p13.1.
Variant type: single nucleotide variant.
Coding change: c.5830A>C on transcript NM_001378454.1 (MANE Select); coding-DNA position 5830, A replaced by C.
Protein change: p.Arg1944=; no amino-acid change (arginine 1944 retained).
Molecular consequence: synonymous variant.
Genome position (GRCh38, 1-based): chr2:73,452,357, A>C. VCF-style: chr2-73452357-A-C. GRCh37 (hg19) VCF-style: chr2-73679484-A-C.
Other names: c.5833A>C, p.Arg1945= (NM_015120.4).
Identifiers: ClinVar variation 4997176 (VCV004997176.1).